The following is an entry in ClinVar:

ClinVar aggregate classification (germline): Uncertain significance (1 of 4 stars; one submission).

Conditions:
Inborn genetic diseases. Identifiers: MedGen C0950123, MeSH D030342.

Allele frequency attached by ClinVar (database versions not stated): gnomAD 0.00001.
gnomAD v4.1: 12 of 1,604,606 alleles (0.00075%); highest among the groups gnomAD compares: South Asian, 0.0022%; no homozygotes.

Submission:

Ambry Genetics
Classification: Uncertain significance for Inborn genetic diseases. Last evaluated: 2020-12-24. Review status: criteria provided, single submitter. Criteria: Ambry Variant Classification Scheme 2023. Collection method: clinical testing. Allele origin: germline.
Comment: The p.R1270C variant (also known as c.3808C>T), located in coding exon 4 of the PRX gene, results from a C to T substitution at nucleotide position 3808. The arginine at codon 1270 is replaced by cysteine, an amino acid with highly dissimilar properties. This amino acid position is not well conserved in available vertebrate species, and cysteine is the reference amino acid in other vertebrate species. In addition, this alteration is predicted to be tolerated by in silico analysis. Since supporting evidence is limited at this time, the clinical significance of this alteration remains unclear.

NM_181882.3(PRX):c.3808C>T (p.Arg1270Cys)

Gene: PRX (periaxin; minus strand). Cytogenetic location: 19q13.2.
Variant type: single nucleotide variant.
Coding change: c.3808C>T on transcript NM_181882.3 (MANE Select); coding-DNA position 3808, C replaced by T.
Protein change: p.Arg1270Cys; replaces arginine 1270 with cysteine.
Molecular consequence: missense variant. On other transcripts: 3 prime UTR variant (1).
Genome position (GRCh38, 1-based): chr19:40,394,544, G>A on the plus strand (C>T on the coding strand, the complement: PRX is on the minus strand). VCF-style: chr19-40394544-G-A. GRCh37 (hg19) VCF-style: chr19-40900451-G-A.
Other names: c.4093C>T, p.Arg1365Cys (NM_001411127.1); c.*4013C>T (NM_020956.2); short protein forms R1270C, R1365C.
Identifiers: ClinVar variation 1735114 (VCV001735114.2), dbSNP rs760423702, ClinGen allele CA308416511.